The following is an entry in ClinVar:

ClinVar aggregate classification (germline): Uncertain significance (1 of 4 stars; one submission).

Submission:

Labcorp Genetics (formerly Invitae), Labcorp
Classification: Uncertain significance. Last evaluated: 2024-06-04. Review status: criteria provided, single submitter. Criteria: Invitae Variant Classification Sherloc (09022015). Collection method: clinical testing. Allele origin: germline.
Comment: This sequence change replaces alanine, which is neutral and non-polar, with threonine, which is neutral and polar, at codon 453 of the FOXP1 protein (p.Ala453Thr). This variant is not present in population databases (gnomAD no frequency). This variant has not been reported in the literature in individuals affected with FOXP1-related conditions. Advanced modeling of protein sequence and biophysical properties (such as structural, functional, and spatial information, amino acid conservation, physicochemical variation, residue mobility, and thermodynamic stability) performed at Invitae indicates that this missense variant is not expected to disrupt FOXP1 protein function with a negative predictive value of 95%. In summary, the available evidence is currently insufficient to determine the role of this variant in disease. Therefore, it has been classified as a Variant of Uncertain Significance.

NM_001349338.3(FOXP1):c.1357G>A (p.Ala453Thr)

Gene: FOXP1 (forkhead box P1; minus strand). Cytogenetic location: 3p13.
Variant type: single nucleotide variant.
Coding change: c.1357G>A on transcript NM_001349338.3 (MANE Select); coding-DNA position 1357, G replaced by A.
Protein change: p.Ala453Thr; replaces alanine 453 with threonine.
Molecular consequence: missense variant. On other transcripts: non-coding transcript variant (2).
Genome position (GRCh38, 1-based): chr3:70,977,714, C>T on the plus strand (G>A on the coding strand, the complement: FOXP1 is on the minus strand). VCF-style: chr3-70977714-C-T. GRCh37 (hg19) VCF-style: chr3-71026865-C-T.
Other names: c.1357G>A, p.Ala453Thr (NM_001349340.3, NM_001244810.2, NM_001244814.3 and 2 more transcripts); c.1354G>A, p.Ala452Thr (NM_001349341.3, NM_001244808.3); c.1057G>A, p.Ala353Thr (NM_001349342.3, NM_001244813.3, NM_001244815.2); c.1054G>A, p.Ala352Thr (NM_001349343.3, NM_001349344.3, NM_001370548.1 and 1 more transcripts); c.1129G>A, p.Ala377Thr (NM_001244812.3); short protein forms A452T, A453T, A353T, A377T, A352T.
Identifiers: ClinVar variation 3676950 (VCV003676950.2).